The following is an entry in ClinVar:

ClinVar aggregate classification (germline): Benign/Likely benign. Review status: criteria provided, multiple submitters, no conflicts (2 of 4 stars). 5 submissions from 5 submitters: Benign (1); Likely benign (4). Last evaluated 2025-10-20.

Conditions:
Hereditary cancer-predisposing syndrome. Also called: Neoplastic Syndromes, Hereditary; Tumor predisposition; Hereditary Cancer Syndrome; Hereditary neoplastic syndrome. Identifiers: Orphanet 140162, MedGen C0027672, MeSH D009386, MONDO:0015356.
Hereditary leiomyomatosis and renal cell cancer. Also called: MULTIPLE CUTANEOUS AND UTERINE LEIOMYOMATA 1, WITH OR WITHOUT RENAL CELL CARCINOMA; Reed syndrome; Multiple cutaneous and uterine leiomyomatosis; Cutaneous leiomyomata with uterine leiomyomata; Leiomyoma, hereditary multiple, of skin; Multiple cutaneous and uterine leiomyomata. Identifiers: Orphanet 523, MedGen C1708350, MONDO:0007888, OMIM 150800, HP:0007437. Disease mechanism: loss of function.

Allele frequency attached by ClinVar (database versions not stated): TOPMed below 0.00001; gnomAD exomes 0.00001.
gnomAD v4.1: 11 of 1,613,606 alleles (0.00068%); highest among the groups gnomAD compares: Admixed American, 0.0017%; no homozygotes.

Submissions (5):

Labcorp Genetics (formerly Invitae), Labcorp
Classification: Likely benign. Last evaluated: 2025-10-20. Review status: criteria provided, single submitter. Criteria: Invitae Variant Classification Sherloc (09022015). Collection method: clinical testing. Allele origin: germline.

Myriad Genetics, Inc.
Classification: Benign for Hereditary leiomyomatosis and renal cell cancer. Last evaluated: 2024-10-18. Review status: criteria provided, single submitter. Criteria: Myriad Autosomal Dominant, Autosomal Recessive and X-Linked Classification Criteria (2023). Collection method: clinical testing. Allele origin: unknown.
Comment: This variant is considered benign. This variant is a silent/synonymous amino acid change and it is not expected to impact splicing.

Quest Diagnostics Nichols Institute San Juan Capistrano
Classification: Likely benign. Last evaluated: 2023-06-19. Review status: criteria provided, single submitter. Criteria: Quest Diagnostics criteria. Collection method: clinical testing. Allele origin: unknown.

GeneDx
Classification: Likely benign. Last evaluated: 2018-04-30. Review status: criteria provided, single submitter. Criteria: GeneDx Variant Classification (06012015). Collection method: clinical testing. Allele origin: germline. Affected: yes.
Comment: This variant is considered likely benign or benign based on one or more of the following criteria: it is a conservative change, it occurs at a poorly conserved position in the protein, it is predicted to be benign by multiple in silico algorithms, and/or has population frequency not consistent with disease.

Ambry Genetics
Classification: Likely benign for Hereditary cancer-predisposing syndrome. Last evaluated: 2018-01-04. Review status: criteria provided, single submitter. Criteria: Ambry Variant Classification Scheme 2023. Collection method: clinical testing. Allele origin: germline.

NM_000143.4(FH):c.669A>G (p.Lys223=)

Gene: FH (fumarate hydratase; minus strand). Cytogenetic location: 1q43.
Variant type: single nucleotide variant.
Coding change: c.669A>G on transcript NM_000143.4 (MANE Select); coding-DNA position 669, A replaced by G.
Protein change: p.Lys223=; no amino-acid change (lysine 223 retained).
Molecular consequence: synonymous variant.
Genome position (GRCh38, 1-based): chr1:241,508,672, T>C on the plus strand (A>G on the coding strand, the complement: FH is on the minus strand). VCF-style: chr1-241508672-T-C. GRCh37 (hg19) VCF-style: chr1-241671972-T-C.
Identifiers: ClinVar variation 682559 (VCV000682559.17), dbSNP rs1573883183, ClinGen allele CA424076060.
Genomic context (GRCh38, chr1:241,508,672, plus strand): 5'-AGTAAGTGGAACAGCATCCTGAGTATGAGTACGTCCAATCTTGATGATCTGTGCAAACTC[T>C]TTGGATTTTGCATCAAGAGCATCATGTAACTTCTGTAGTCCTGGTAACAGTACTTCATGA-3'
Protein context (NP_000134.2, residues 213-233): KLHDALDAKS[Lys223=]EFAQIIKIGR